The following is an entry in ClinVar:

NM_002303.6(LEPR):c.1690C>A (p.Pro564Thr)

Gene: LEPR (leptin receptor; plus strand). Cytogenetic location: 1p31.3.
Variant type: single nucleotide variant.
Coding change: c.1690C>A on transcript NM_002303.6 (MANE Select); coding-DNA position 1690, C replaced by A.
Protein change: p.Pro564Thr; replaces proline 564 with threonine.
Molecular consequence: missense variant.
Genome position (GRCh38, 1-based): chr1:65,608,839, C>A. VCF-style: chr1-65608839-C-A. GRCh37 (hg19) VCF-style: chr1-66074522-C-A.
Other names: c.1690C>A, p.Pro564Thr (NM_001003679.3, NM_001003680.3, NM_001198687.2 and 2 more transcripts); short protein forms P564T.
Identifiers: ClinVar variation 4991552 (VCV004991552.1).

ClinVar aggregate classification (germline): Uncertain significance (1 of 4 stars; one submission).

Conditions:
LEPR-related disorder. Also called: LEPR-related condition; LEPR-related disorders.

Submission:

PreventionGenetics, part of Exact Sciences
Classification: Uncertain significance for LEPR-related condition. Last evaluated: 2026-04-04. Review status: criteria provided, single submitter. Criteria: ACMG Guidelines, 2015. Collection method: clinical testing. Allele origin: germline.
Comment: The LEPR c.1690C>A variant is predicted to result in the amino acid substitution p.Pro564Thr. To our knowledge, this variant has not been reported in the literature or in a large population database (gnomAD), indicating this variant is rare. At this time, the clinical significance of this variant is uncertain due to the absence of conclusive functional and genetic evidence.